The following is an entry in ClinVar:

NM_032119.4(ADGRV1):c.2056G>T (p.Ala686Ser)

Gene: ADGRV1 (adhesion G protein-coupled receptor V1; plus strand). Cytogenetic location: 5q14.3.
Variant type: single nucleotide variant.
Coding change: c.2056G>T on transcript NM_032119.4 (MANE Select); coding-DNA position 2056, G replaced by T.
Protein change: p.Ala686Ser; replaces alanine 686 with serine.
Molecular consequence: missense variant. On other transcripts: non-coding transcript variant (1).
Genome position (GRCh38, 1-based): chr5:90,637,764, G>T. VCF-style: chr5-90637764-G-T. GRCh37 (hg19) VCF-style: chr5-89933581-G-T.
Other names: short protein forms A686S.
Identifiers: ClinVar variation 2097242 (VCV002097242.4), dbSNP rs566899223, ClinGen allele CA360383496.

ClinVar aggregate classification (germline): Uncertain significance (1 of 4 stars; one submission).

Submission:

Labcorp Genetics (formerly Invitae), Labcorp
Classification: Uncertain significance. Last evaluated: 2022-08-31. Review status: criteria provided, single submitter. Criteria: Invitae Variant Classification Sherloc (09022015). Collection method: clinical testing. Allele origin: germline.
Comment: In summary, the available evidence is currently insufficient to determine the role of this variant in disease. Therefore, it has been classified as a Variant of Uncertain Significance. Algorithms developed to predict the effect of missense changes on protein structure and function are either unavailable or do not agree on the potential impact of this missense change (SIFT: "Deleterious"; PolyPhen-2: "Possibly Damaging"; Align-GVGD: "Class C0"). This variant has not been reported in the literature in individuals affected with ADGRV1-related conditions. This variant is not present in population databases (gnomAD no frequency). This sequence change replaces alanine, which is neutral and non-polar, with serine, which is neutral and polar, at codon 686 of the ADGRV1 protein (p.Ala686Ser).